The following is an entry in ClinVar:

ClinVar aggregate classification (germline): Uncertain significance (1 of 4 stars; one submission).

Conditions:
Joubert syndrome. Also called: CEREBELLOPARENCHYMAL DISORDER IV; JOUBERT-BOLTSHAUSER SYNDROME; Familial aplasia of the vermis. Identifiers: Orphanet 475, MedGen C5979921, MONDO:0018772.
Meckel-Gruber syndrome. Also called: DYSENCEPHALIA SPLANCHNOCYSTICA; GRUBER SYNDROME; Dysencephalia splachnocystica. Identifiers: Orphanet 564, MedGen C0265215, MONDO:0018921.

Submission:

Labcorp Genetics (formerly Invitae), Labcorp
Classification: Uncertain significance for Joubert syndrome; Meckel-Gruber syndrome. Last evaluated: 2024-08-27. Review status: criteria provided, single submitter. Criteria: Invitae Variant Classification Sherloc (09022015). Collection method: clinical testing. Allele origin: germline.
Comment: This sequence change replaces glutamic acid, which is acidic and polar, with lysine, which is basic and polar, at codon 583 of the TCTN2 protein (p.Glu583Lys). This variant is not present in population databases (gnomAD no frequency). This variant has not been reported in the literature in individuals affected with TCTN2-related conditions. Invitae Evidence Modeling of protein sequence and biophysical properties (such as structural, functional, and spatial information, amino acid conservation, physicochemical variation, residue mobility, and thermodynamic stability) indicates that this missense variant is expected to disrupt TCTN2 protein function with a positive predictive value of 80%. In summary, the available evidence is currently insufficient to determine the role of this variant in disease. Therefore, it has been classified as a Variant of Uncertain Significance.

NM_024809.5(TCTN2):c.1747G>A (p.Glu583Lys)

Gene: TCTN2 (tectonic family member 2; plus strand). Cytogenetic location: 12q24.31.
Variant type: single nucleotide variant.
Coding change: c.1747G>A on transcript NM_024809.5 (MANE Select); coding-DNA position 1747, G replaced by A.
Protein change: p.Glu583Lys; replaces glutamic acid 583 with lysine.
Molecular consequence: missense variant.
Genome position (GRCh38, 1-based): chr12:123,704,666, G>A. VCF-style: chr12-123704666-G-A. GRCh37 (hg19) VCF-style: chr12-124189213-G-A.
Other names: c.1744G>A, p.Glu582Lys (NM_001143850.3); c.1612G>A, p.Glu538Lys (NM_001410989.1); short protein forms E538K, E582K, E583K.
Identifiers: ClinVar variation 3751112 (VCV003751112.2).